The following is an entry in ClinVar:

NM_004646.4(NPHS1):c.1859_1878del (p.Arg620fs)

Gene: NPHS1 (NPHS1 adhesion molecule, nephrin; minus strand). Cytogenetic location: 19q13.12.
Variant type: Deletion.
Coding change: c.1859_1878del on transcript NM_004646.4 (MANE Select); coding-DNA positions 1859 to 1878, 20 bases deleted (GCGTGACCTGCCGCGCCCAC).
Protein change: p.Arg620fs; shifts the reading frame from arginine 620.
Molecular consequence: frameshift variant.
Genome position (GRCh38, 1-based): chr19:35,845,420-35,845,439, GTGGGCGCGGCAGGTCACGC deleted on the plus strand (GCGTGACCTGCCGCGCCCAC on the coding strand, the reverse complement: NPHS1 is on the minus strand); deleting any 20 consecutive bases within chr19:35,845,420-35,845,440 gives the same sequence; the c. name uses the placement nearest the transcript's 3' end. VCF-style (leftmost placement, unchanged base first): chr19-35845419-TGTGGGCGCGGCAGGTCACGC-T. GRCh37 (hg19) VCF-style: chr19-36336321-TGTGGGCGCGGCAGGTCACGC-T.
Other names: short protein forms R620fs.
Identifiers: ClinVar variation 2027070 (VCV002027070.4), dbSNP rs2513773230, ClinGen allele CA2580096843.

ClinVar aggregate classification (germline): Pathogenic (1 of 4 stars; one submission).

Submission:

Labcorp Genetics (formerly Invitae), Labcorp
Classification: Pathogenic. Last evaluated: 2022-08-25. Review status: criteria provided, single submitter. Criteria: Invitae Variant Classification Sherloc (09022015). Collection method: clinical testing. Allele origin: germline.
Comment: This sequence change creates a premature translational stop signal (p.Arg620Glnfs*47) in the NPHS1 gene. It is expected to result in an absent or disrupted protein product. Loss-of-function variants in NPHS1 are known to be pathogenic (PMID: 11317351, 11854170, 12039988). This variant is not present in population databases (gnomAD no frequency). This variant has not been reported in the literature in individuals affected with NPHS1-related conditions. For these reasons, this variant has been classified as Pathogenic.

Literature cited by the submitters: PubMed 11317351; PubMed 11854170; PubMed 12039988.